The following is an entry in ClinVar:

ClinVar aggregate classification (germline): Uncertain significance (1 of 4 stars; one submission).

Conditions:
Retinoblastoma (RB1). Also called: RETINOBLASTOMA, SOMATIC. Identifiers: Orphanet 790, MedGen C0035335, MeSH D012175, MONDO:0008380, OMIM 180200, HP:0009919. Disease mechanism: loss of function. Inheritance: Both sporadic and heritable forms are tested..

Submission:

Labcorp Genetics (formerly Invitae), Labcorp
Classification: Uncertain significance for Retinoblastoma. Last evaluated: 2020-02-19. Review status: criteria provided, single submitter. Criteria: Invitae Variant Classification Sherloc (09022015). Collection method: clinical testing. Allele origin: germline.
Comment: In summary, the available evidence is currently insufficient to determine the role of this variant in disease. Therefore, it has been classified as a Variant of Uncertain Significance. This sequence change replaces cysteine with serine at codon 169 of the RB1 protein (p.Cys169Ser). The cysteine residue is highly conserved and there is a moderate physicochemical difference between cysteine and serine. This variant is not present in population databases (ExAC no frequency). This variant has not been reported in the literature in individuals with RB1-related conditions. Algorithms developed to predict the effect of missense changes on protein structure and function (SIFT, PolyPhen-2, Align-GVGD) all suggest that this variant is likely to be disruptive, but these predictions have not been confirmed by published functional studies and their clinical significance is uncertain.

NM_000321.3(RB1):c.506G>C (p.Cys169Ser)

Gene: RB1 (RB transcriptional corepressor 1; plus strand). Cytogenetic location: 13q14.2.
Variant type: single nucleotide variant.
Coding change: c.506G>C on transcript NM_000321.3 (MANE Select); coding-DNA position 506, G replaced by C.
Protein change: p.Cys169Ser; replaces cysteine 169 with serine.
Molecular consequence: missense variant.
Genome position (GRCh38, 1-based): chr13:48,347,830, G>C. VCF-style: chr13-48347830-G-C. GRCh37 (hg19) VCF-style: chr13-48921966-G-C.
Other names: short protein forms C169S.
Identifiers: ClinVar variation 1024341 (VCV001024341.9), dbSNP rs1251503080, ClinGen allele CA388156787.